The following is an entry in ClinVar:

NM_000306.4(POU1F1):c.483T>C (p.His161=)

Gene: POU1F1 (POU class 1 homeobox 1; minus strand). Cytogenetic location: 3p11.2.
Variant type: single nucleotide variant.
Coding change: c.483T>C on transcript NM_000306.4 (MANE Select); coding-DNA position 483, T replaced by C.
Protein change: p.His161=; no amino-acid change (histidine 161 retained).
Molecular consequence: synonymous variant.
Genome position (GRCh38, 1-based): chr3:87,262,192, A>G on the plus strand (T>C on the coding strand, the complement: POU1F1 is on the minus strand). VCF-style: chr3-87262192-A-G. GRCh37 (hg19) VCF-style: chr3-87311342-A-G.
Other names: c.561T>C, p.His187= (NM_001122757.3).
Identifiers: ClinVar variation 739553 (VCV000739553.10), dbSNP rs35677731, ClinGen allele CA2501171.

ClinVar aggregate classification (germline): Likely benign. Review status: criteria provided, multiple submitters, no conflicts (2 of 4 stars). 4 submissions from 4 submitters: Likely benign (3). 1 of the submissions does not count toward it. Last evaluated 2026-05-12.

Conditions:
POU1F1-related disorder. Also called: POU1F1-related condition.

Allele frequency attached by ClinVar (database versions not stated): gnomAD exomes 0.00006 and 0.00016; ExAC 0.00024; 1000 Genomes Project 0.00040; 1000 Genomes Project 30x 0.00047; ESP Exome Variant Server 0.00054; gnomAD 0.00075 and 0.00068; TOPMed 0.00075.
gnomAD v4.1: 196 of 1,614,194 alleles (0.012%); highest among the groups gnomAD compares: African/African-American, 0.23%; no homozygotes.

Submissions (4):

Women's Health and Genetics/Laboratory Corporation of America, LabCorp
Classification: Likely benign. Last evaluated: 2026-05-12. Review status: criteria provided, single submitter. Criteria: LabCorp Variant Classification Summary - May 2015. Collection method: clinical testing. Allele origin: germline.

Labcorp Genetics (formerly Invitae), Labcorp
Classification: Likely benign. Last evaluated: 2024-03-25. Review status: criteria provided, single submitter. Criteria: Invitae Variant Classification Sherloc (09022015). Collection method: clinical testing. Allele origin: germline.

Breakthrough Genomics
Classification: Likely benign. Review status: criteria provided, single submitter. Criteria: ACMG Guidelines, 2015. Collection method: not provided. Allele origin: germline. Inheritance: Autosomal dominant inheritance. Affected: yes.

PreventionGenetics, part of Exact Sciences
Classification: Likely benign for POU1F1-related condition. Last evaluated: 2019-07-10. Review status: no assertion criteria provided. Collection method: clinical testing. Allele origin: germline. Not counted in ClinVar's aggregate classification.
Comment: This variant is classified as likely benign based on ACMG/AMP sequence variant interpretation guidelines (Richards et al. 2015 PMID: 25741868, with internal and published modifications).